The following is an entry in ClinVar:

NM_004006.3(DMD):c.10224-101T>C

Gene: DMD (dystrophin; minus strand). Cytogenetic location: Xp21.2.
Variant type: single nucleotide variant.
Coding change: c.10224-101T>C on transcript NM_004006.3 (MANE Select); 101 bases into the intron before coding-DNA position 10224, T replaced by C.
Molecular consequence: intron variant.
Genome position (GRCh38, 1-based): chrX:31,178,071, A>G on the plus strand (T>C on the coding strand, the complement: DMD is on the minus strand). VCF-style: chrX-31178071-A-G. GRCh37 (hg19) VCF-style: chrX-31196188-A-G.
Other names: c.10200-101T>C (NM_000109.4); c.6201-101T>C (NM_004011.4); c.6192-101T>C (NM_004012.4); c.2843+598T>C (NM_004023.3, NM_004020.4, NM_004022.3); c.2844-101T>C (NM_004021.3, NM_004013.3); c.2037-101T>C (NM_004014.3); c.1019+598T>C (NM_004018.3, NM_004017.3); c.1020-101T>C (NM_004016.3, NM_004015.3); and 2 more.
Identifiers: ClinVar variation 672564 (VCV000672564.1), dbSNP rs16989418, ClinGen allele CA328405396.

ClinVar aggregate classification (germline): Benign (1 of 4 stars; one submission).

Allele frequency attached by ClinVar (database versions not stated): gnomAD exomes 0.00201; 1000 Genomes Project 0.01457; 1000 Genomes Project 30x 0.01498; gnomAD 0.01895 and 0.02039; TOPMed 0.02308.
gnomAD v4.1: 4,171 of 1,092,557 alleles (0.38%); highest among the groups gnomAD compares: African/African-American, 6.7%; 112 homozygotes.

Submission:

GeneDx
Classification: Benign. Last evaluated: 2018-06-18. Review status: criteria provided, single submitter. Criteria: GeneDx Variant Classification (06012015). Collection method: clinical testing. Allele origin: germline. Affected: yes.
Comment: This variant is considered likely benign or benign based on one or more of the following criteria: it is a conservative change, it occurs at a poorly conserved position in the protein, it is predicted to be benign by multiple in silico algorithms, and/or has population frequency not consistent with disease.